The following is an entry in ClinVar:

ClinVar aggregate classification (germline): Conflicting classifications of pathogenicity. Review status: criteria provided, conflicting classifications (1 of 4 stars). 3 submissions from 3 submitters: Uncertain significance (1); Likely benign (2). Last evaluated 2026-06-29.

Conditions:
LCA5-related disorder. Also called: LCA5-related condition.
Leber congenital amaurosis 5 (LCA5). Also called: Amaurosis congenita of Leber, type 5. Identifiers: Orphanet 65, MedGen C1858301, MONDO:0011473, OMIM 604537.

Allele frequency attached by ClinVar (database versions not stated): gnomAD exomes below 0.00001; gnomAD 0.00001; TOPMed 0.00002.
gnomAD v4.1: 4 of 1,614,070 alleles (0.00025%); highest among the groups gnomAD compares: African/African-American, 0.0013%; no homozygotes.

Submissions (3):

PreventionGenetics, part of Exact Sciences
Classification: Likely benign for LCA5-related condition. Last evaluated: 2026-06-29. Review status: criteria provided, single submitter. Criteria: ACMG Guidelines, 2015. Collection method: clinical testing. Allele origin: germline.
Comment: This variant is classified as likely benign based on ACMG/AMP sequence variant interpretation guidelines (Richards et al. 2015 PMID: 25741868, with internal and published modifications).

Labcorp Genetics (formerly Invitae), Labcorp
Classification: Likely benign. Last evaluated: 2023-01-05. Review status: criteria provided, single submitter. Criteria: Invitae Variant Classification Sherloc (09022015). Collection method: clinical testing. Allele origin: germline.

Illumina Laboratory Services, Illumina
Classification: Uncertain significance for Leber congenital amaurosis 5. Last evaluated: 2018-01-12. Review status: criteria provided, single submitter. Criteria: ICSL Variant Classification Criteria 13 December 2019. Collection method: clinical testing. Allele origin: germline.

NM_001122769.3(LCA5):c.108A>G (p.Ser36=)

Gene: LCA5 (lebercilin LCA5; minus strand). Cytogenetic location: 6q14.1.
Variant type: single nucleotide variant.
Coding change: c.108A>G on transcript NM_001122769.3 (MANE Select); coding-DNA position 108, A replaced by G.
Protein change: p.Ser36=; no amino-acid change (serine 36 retained).
Molecular consequence: synonymous variant.
Genome position (GRCh38, 1-based): chr6:79,518,787, T>C on the plus strand (A>G on the coding strand, the complement: LCA5 is on the minus strand). VCF-style: chr6-79518787-T-C. GRCh37 (hg19) VCF-style: chr6-80228504-T-C.
Other names: c.108A>G, p.Ser36= (NM_181714.4).
Identifiers: ClinVar variation 911431 (VCV000911431.12), dbSNP rs1196957609, ClinGen allele CA451002625.
Genomic context (GRCh38, chr6:79,518,787, plus strand): 5'-TGAAGTTTGTCTTTTAGGATTTTTTCTCCTAACACTTGCAGGTGAAGAACTGACCAGCGA[T>C]GATCGGCCAGAAGACTGTGGCGTTTCAAAATCAGATAAGTAAGAATAATGGTGTTTGCCT-3'
Protein context (NP_001116241.1, residues 26-46): DFETPQSSGR[Ser36=]SLVSSSPASV